The following is an entry in ClinVar:

NM_001080467.3(MYO5B):c.3769C>T (p.Arg1257Cys)

Gene: MYO5B (myosin VB; minus strand). Cytogenetic location: 18q21.1.
Variant type: single nucleotide variant.
Coding change: c.3769C>T on transcript NM_001080467.3 (MANE Select); coding-DNA position 3769, C replaced by T.
Protein change: p.Arg1257Cys; replaces arginine 1257 with cysteine.
Molecular consequence: missense variant.
Genome position (GRCh38, 1-based): chr18:49,864,215, G>A on the plus strand (C>T on the coding strand, the complement: MYO5B is on the minus strand). VCF-style: chr18-49864215-G-A. GRCh37 (hg19) VCF-style: chr18-47390585-G-A.
Other names: c.3769C>T (NM_001080467.2); short protein forms R1257C.
Identifiers: ClinVar variation 2030021 (VCV002030021.5), dbSNP rs747159964, ClinGen allele CA402427541.

ClinVar aggregate classification (germline): Uncertain significance. Review status: criteria provided, multiple submitters, no conflicts (2 of 4 stars). 2 submissions from 2 submitters: Uncertain significance (2). Last evaluated 2025-07-21.

Conditions:
MYO5B-related disorder. Also called: MYO5B-related condition.

gnomAD v4.1: 1 of 1,613,794 alleles (0.000062%); highest among the groups gnomAD compares: Non-Finnish European, 0.000085%; no homozygotes.

Submissions (2):

Labcorp Genetics (formerly Invitae), Labcorp
Classification: Uncertain significance. Last evaluated: 2025-07-21. Review status: criteria provided, single submitter. Criteria: Invitae Variant Classification Sherloc (09022015). Collection method: clinical testing. Allele origin: germline.
Comment: This sequence change replaces arginine, which is basic and polar, with cysteine, which is neutral and slightly polar, at codon 1257 of the MYO5B protein (p.Arg1257Cys). This variant is not present in population databases (gnomAD no frequency). This variant has not been reported in the literature in individuals affected with MYO5B-related conditions. ClinVar contains an entry for this variant (Variation ID: 2030021). Invitae Evidence Modeling of protein sequence and biophysical properties (such as structural, functional, and spatial information, amino acid conservation, physicochemical variation, residue mobility, and thermodynamic stability) indicates that this missense variant is not expected to disrupt MYO5B protein function with a negative predictive value of 80%. In summary, the available evidence is currently insufficient to determine the role of this variant in disease. Therefore, it has been classified as a Variant of Uncertain Significance.

PreventionGenetics, part of Exact Sciences
Classification: Uncertain significance for MYO5B-related condition. Last evaluated: 2024-11-25. Review status: criteria provided, single submitter. Criteria: ACMG Guidelines, 2015. Collection method: clinical testing. Allele origin: germline.
Comment: The MYO5B c.3769C>T variant is predicted to result in the amino acid substitution p.Arg1257Cys. To our knowledge, this variant has not been reported in the literature or in a large population database (gnomAD), indicating this variant is rare. At this time, the clinical significance of this variant is uncertain due to the absence of conclusive functional and genetic evidence.